The following is an entry in ClinVar:

ClinVar aggregate classification (germline): Uncertain significance (1 of 4 stars; one submission).

Conditions:
Hereditary cancer-predisposing syndrome. Also called: Neoplastic Syndromes, Hereditary; Hereditary Cancer Syndrome; Hereditary neoplastic syndrome; Tumor predisposition. Identifiers: Orphanet 140162, MedGen C0027672, MeSH D009386, MONDO:0015356.

Submission:

Ambry Genetics
Classification: Uncertain significance for Hereditary cancer-predisposing syndrome. Last evaluated: 2023-03-17. Review status: criteria provided, single submitter. Criteria: Ambry Variant Classification Scheme 2023. Collection method: clinical testing. Allele origin: germline.
Comment: The p.K514N variant (also known as c.1542G>C), located in coding exon 12 of the POLD1 gene, results from a G to C substitution at nucleotide position 1542. The lysine at codon 514 is replaced by asparagine, an amino acid with similar properties. This amino acid position is conserved. In addition, this alteration is predicted to be tolerated by in silico analysis. Since supporting evidence is limited at this time, the clinical significance of this alteration remains unclear.

NM_002691.4(POLD1):c.1542G>C (p.Lys514Asn)

Gene: POLD1 (DNA polymerase delta 1, catalytic subunit; plus strand). Cytogenetic location: 19q13.33.
Variant type: single nucleotide variant.
Coding change: c.1542G>C on transcript NM_002691.4 (MANE Select); coding-DNA position 1542, G replaced by C.
Protein change: p.Lys514Asn; replaces lysine 514 with asparagine.
Molecular consequence: missense variant. On other transcripts: non-coding transcript variant (1).
Genome position (GRCh38, 1-based): chr19:50,407,030, G>C. VCF-style: chr19-50407030-G-C. GRCh37 (hg19) VCF-style: chr19-50910287-G-C.
Other names: c.1542G>C, p.Lys514Asn (NM_001256849.1, NM_001308632.1); short protein forms K514N.
Identifiers: ClinVar variation 2563162 (VCV002563162.2), dbSNP rs779864085, ClinGen allele CA406980837.